The following is an entry in ClinVar:

ClinVar aggregate classification (germline): Uncertain significance (1 of 4 stars; one submission).

gnomAD v4.1: 1 of 1,212,230 alleles (0.000082%); highest among the groups gnomAD compares: East Asian, 0.003%; no homozygotes.

Submission:

GeneDx
Classification: Uncertain significance. Last evaluated: 2025-06-12. Review status: criteria provided, single submitter. Criteria: GeneDx Variant Classification Process June 2021. Collection method: clinical testing. Allele origin: germline. Affected: yes.
Comment: Not observed at significant frequency in large population cohorts (gnomAD); In silico analysis supports that this missense variant has a deleterious effect on protein structure/function; Has not been previously published as pathogenic or benign to our knowledge

NM_001123385.2(BCOR):c.1801C>T (p.Pro601Ser)

Gene: BCOR (BCL6 corepressor; minus strand). Cytogenetic location: Xp11.4.
Variant type: single nucleotide variant.
Coding change: c.1801C>T on transcript NM_001123385.2 (MANE Select); coding-DNA position 1801, C replaced by T.
Protein change: p.Pro601Ser; replaces proline 601 with serine.
Molecular consequence: missense variant.
Genome position (GRCh38, 1-based): chrX:40,073,545, G>A on the plus strand (C>T on the coding strand, the complement: BCOR is on the minus strand). VCF-style: chrX-40073545-G-A. GRCh37 (hg19) VCF-style: chrX-39932798-G-A.
Other names: c.1801C>T, p.Pro601Ser (NM_001123383.2, NM_001123384.2, NM_001437510.1 and 4 more transcripts); short protein forms P601S.
Identifiers: ClinVar variation 4537649 (VCV004537649.1).